The following is an entry in ClinVar:

ClinVar aggregate classification (germline): Uncertain significance (1 of 4 stars; one submission).

Conditions:
Early-infantile DEE. Also called: Early infantile epileptic encephalopathy; Ohtahara syndrome; Early infantile epileptic encephalopathy with suppression bursts. Identifiers: Orphanet 1934, MedGen C0393706, MONDO:0800491.

Submission:

Labcorp Genetics (formerly Invitae), Labcorp
Classification: Uncertain significance for Early-infantile DEE. Last evaluated: 2021-03-12. Review status: criteria provided, single submitter. Criteria: Invitae Variant Classification Sherloc (09022015). Collection method: clinical testing. Allele origin: germline.
Comment: This sequence change replaces alanine with serine at codon 1429 of the SCN1A protein (p.Ala1429Ser). The alanine residue is highly conserved and there is a moderate physicochemical difference between alanine and serine. This variant is not present in population databases (ExAC no frequency). This variant has been observed in an individual with autosomal dominant nocturnal frontal lobe epilepsy who also carried a variant in the CHRNB2 gene (PMID: 23032131). Algorithms developed to predict the effect of missense changes on protein structure and function (SIFT, PolyPhen-2, Align-GVGD) all suggest that this variant is likely to be disruptive, but these predictions have not been confirmed by published functional studies and their clinical significance is uncertain. Algorithms developed to predict the effect of sequence changes on RNA splicing suggest that this variant may disrupt the consensus splice site, but this prediction has not been confirmed by published transcriptional studies. In summary, the available evidence is currently insufficient to determine the role of this variant in disease. Therefore, it has been classified as a Variant of Uncertain Significance.

Literature cited by the submitters: PubMed 23032131.

NM_001165963.4(SCN1A):c.4285G>T (p.Ala1429Ser)

Genes: SCN1A (sodium voltage-gated channel alpha subunit 1; minus strand), LOC102724058 (uncharacterized LOC102724058; plus strand). Cytogenetic location: 2q24.3.
Variant type: single nucleotide variant.
Coding change: c.4285G>T on transcript NM_001165963.4 (MANE Select); coding-DNA position 4285, G replaced by T.
Protein change: p.Ala1429Ser; replaces alanine 1429 with serine.
Molecular consequence: missense variant. On other transcripts: non-coding transcript variant (1).
Genome position (GRCh38, 1-based): chr2:165,999,776, C>A on the plus strand (G>T on the coding strand, the complement: SCN1A is on the minus strand). VCF-style: chr2-165999776-C-A. GRCh37 (hg19) VCF-style: chr2-166856286-C-A.
Other names: c.4201G>T, p.Ala1401Ser (NM_001165964.3, NM_001353957.2, NM_001353958.2); c.4285G>T, p.Ala1429Ser (NM_001202435.3, NM_001353948.2); c.4252G>T, p.Ala1418Ser (NM_001353949.2, NM_001353950.2, NM_001353951.2 and 2 more transcripts); c.4249G>T, p.Ala1417Ser (NM_001353954.2, NM_001353955.2); c.4198G>T, p.Ala1400Ser (NM_001353960.2); c.1843G>T, p.Ala615Ser (NM_001353961.2); short protein forms A1401S, A1417S, A1429S, A1418S, A1400S, A615S.
Identifiers: ClinVar variation 1403816 (VCV001403816.9), dbSNP rs796053008, ClinGen allele CA349049645.
Genomic context (GRCh38, chr2:165,999,776, plus strand): 5'-TACTTACATTTCTGGAATCAACTGCTGCATACATTATATCCATCCATCCTTTGAATGTGG[C>A]CTATTAAGAAGGACATGCATGTTTTACTTTGGAGTAAAAATAATTTAGACCTGATGTTTA-3'
Protein context (NP_001159435.1, residues 1419-1439): GFGYLSLLQV[Ala1429Ser]TFKGWMDIMY